The following is an entry in ClinVar:

ClinVar aggregate classification (germline): Uncertain significance (1 of 4 stars; one submission).

gnomAD v4.1: 46 of 1,480,190 alleles (0.0031%); highest among the groups gnomAD compares: Non-Finnish European, 0.0037%; no homozygotes.

Submission:

Labcorp Genetics (formerly Invitae), Labcorp
Classification: Uncertain significance. Last evaluated: 2025-10-18. Review status: criteria provided, single submitter. Criteria: Invitae Variant Classification Sherloc (09022015). Collection method: clinical testing. Allele origin: germline.
Comment: This sequence change falls in intron 2 of the TMPRSS15 gene. It does not directly change the encoded amino acid sequence of the TMPRSS15 protein. It affects a nucleotide within the consensus splice site. This variant is present in population databases (rs748390885, gnomAD 0.005%). This variant has not been reported in the literature in individuals affected with TMPRSS15-related conditions. Variants that disrupt the consensus splice site are a relatively common cause of aberrant splicing (PMID: 17576681, 9536098). Algorithms developed to predict the effect of sequence changes on RNA splicing suggest that this variant is not likely to affect RNA splicing. In summary, the available evidence is currently insufficient to determine the role of this variant in disease. Therefore, it has been classified as a Variant of Uncertain Significance.

Literature cited by the submitters: PubMed 17576681; PubMed 9536098.

NM_002772.3(TMPRSS15):c.277-3T>C

Gene: TMPRSS15 (transmembrane serine protease 15; minus strand). Cytogenetic location: 21q21.1.
Variant type: single nucleotide variant.
Coding change: c.277-3T>C on transcript NM_002772.3 (MANE Select); 3 bases into the intron before coding-DNA position 277, T replaced by C.
Molecular consequence: intron variant.
Genome position (GRCh38, 1-based): chr21:18,397,949, A>G on the plus strand (T>C on the coding strand, the complement: TMPRSS15 is on the minus strand). VCF-style: chr21-18397949-A-G. GRCh37 (hg19) VCF-style: chr21-19770266-A-G.
Other names: c.277-3T>C (NM_001428057.1, NM_001428056.1).
Identifiers: ClinVar variation 4751108 (VCV004751108.1).
Genomic context (GRCh38, chr21:18,397,949, plus strand): 5'-AAACTCTTGAGTTCTTATATTCATTCTTCAGATTGCTTGATAGAAAGATCTCATCTATCT[A>G]GAAAAATATAAAAGATTGAATGAGTATACTAAATTTAGGATTTTAACTTTTGTTGAAAAA-3'